The following is an entry in ClinVar:

ClinVar aggregate classification (germline): Uncertain significance (1 of 4 stars; one submission).

Submission:

GeneDx
Classification: Uncertain significance. Last evaluated: 2024-08-27. Review status: criteria provided, single submitter. Criteria: GeneDx Variant Classification Process June 2021. Collection method: clinical testing. Allele origin: germline.
Comment: Not observed at significant frequency in large population cohorts (gnomAD); In silico analysis supports that this missense variant has a deleterious effect on protein structure/function; Has not been previously published as pathogenic or benign to our knowledge

NM_001385012.1(NBEA):c.2774A>C (p.Tyr925Ser)

Gene: NBEA (neurobeachin; plus strand). Cytogenetic location: 13q13.3.
Variant type: single nucleotide variant.
Coding change: c.2774A>C on transcript NM_001385012.1 (MANE Select); coding-DNA position 2774, A replaced by C.
Protein change: p.Tyr925Ser; replaces tyrosine 925 with serine.
Molecular consequence: missense variant.
Genome position (GRCh38, 1-based): chr13:35,157,200, A>C. VCF-style: chr13-35157200-A-C. GRCh37 (hg19) VCF-style: chr13-35731337-A-C.
Other names: c.2774A>C, p.Tyr925Ser (NM_001379245.1, NM_015678.5); short protein forms Y925S.
Identifiers: ClinVar variation 2444631 (VCV002444631.2), dbSNP rs2503594299, ClinGen allele CA387835638.
Genomic context (GRCh38, chr13:35,157,200, plus strand): 5'-AAAATTCTGAGGAACAGAAGATTACCGAAATGGTCTACAATATCTTCCGGATTCTTTTGT[A>C]TCATGCAATAAAATATGAATGGGGAGGCTGGAGAGTCTGGGTGGATACCCTCTCAATAGC-3'
Protein context (NP_001371941.1, residues 915-935): MVYNIFRILL[Tyr925Ser]HAIKYEWGGW